The following is an entry in ClinVar:

ClinVar aggregate classification (germline): Uncertain significance. Review status: criteria provided, multiple submitters, no conflicts (2 of 4 stars). 2 submissions from 2 submitters: Uncertain significance (2). Last evaluated 2022-04-18.

Allele frequency attached by ClinVar (database versions not stated): gnomAD exomes below 0.00001; TOPMed below 0.00001; gnomAD 0.00001.
gnomAD v4.1: 3 of 1,614,000 alleles (0.00019%); highest among the groups gnomAD compares: Middle Eastern, 0.016%; no homozygotes.

Submissions (2):

GeneDx
Classification: Uncertain significance. Last evaluated: 2022-04-18. Review status: criteria provided, single submitter. Criteria: GeneDx Variant Classification Process June 2021. Collection method: clinical testing. Allele origin: germline. Affected: yes.
Comment: Has not been previously published as pathogenic or benign to our knowledge; Not observed at significant frequency in large population cohorts (gnomAD); In silico analysis supports that this missense variant does not alter protein structure/function

Blueprint Genetics
Classification: Uncertain significance. Last evaluated: 2022-02-08. Review status: criteria provided, single submitter. Criteria: ACMG Guidelines, 2015. Collection method: clinical testing. Allele origin: germline.

NM_001130438.3(SPTAN1):c.4276G>C (p.Glu1426Gln)

Gene: SPTAN1 (spectrin alpha, non-erythrocytic 1; plus strand). Cytogenetic location: 9q34.11.
Variant type: single nucleotide variant.
Coding change: c.4276G>C on transcript NM_001130438.3 (MANE Select); coding-DNA position 4276, G replaced by C.
Protein change: p.Glu1426Gln; replaces glutamic acid 1426 with glutamine.
Molecular consequence: missense variant.
Genome position (GRCh38, 1-based): chr9:128,607,981, G>C. VCF-style: chr9-128607981-G-C. GRCh37 (hg19) VCF-style: chr9-131370260-G-C.
Other names: c.4216G>C, p.Glu1406Gln (NM_001195532.2, NM_001363765.2, NM_001375314.2); c.4276G>C, p.Glu1426Gln (NM_001363759.2, NM_001375310.1, NM_001375311.2 and 2 more transcripts); c.4312G>C, p.Glu1438Gln (NM_001375312.2, NM_001375318.1); short protein forms E1406Q, E1426Q, E1438Q.
Identifiers: ClinVar variation 1683788 (VCV001683788.3), dbSNP rs1796996192, ClinGen allele CA375066625.